The following is an entry in ClinVar:

ClinVar aggregate classification (germline): Pathogenic. Review status: criteria provided, multiple submitters, no conflicts (2 of 4 stars). 2 submissions from 2 submitters: Pathogenic (2). Last evaluated 2024-03-06.

Conditions:
LAMA2-related muscular dystrophy (LAMA2-RD). Also called: Laminin alpha 2-related dystrophy. Identifiers: MedGen C5679788, MONDO:0100228.

Submissions (2):

Myriad Genetics, Inc.
Classification: Pathogenic for LAMA2-related muscular dystrophy. Last evaluated: 2024-03-06. Review status: criteria provided, single submitter. Criteria: Myriad Autosomal Dominant, Autosomal Recessive and X-Linked Classification Criteria (2023). Collection method: clinical testing. Allele origin: unknown.
Comment: NM_000426.3(LAMA2):c.8769dupA(Q2924Tfs*22) is expected to be pathogenic in the context of muscular dystrophy, LAMA2-related. This variant is predicted to lead to an abnormal or absent protein product due to the creation of a premature termination codon in LAMA2, a gene where loss-of-function variants are known to be pathogenic. Please note: this variant was assessed in the context of healthy population screening.

Labcorp Genetics (formerly Invitae), Labcorp
Classification: Pathogenic for LAMA2-related muscular dystrophy. Last evaluated: 2019-01-26. Review status: criteria provided, single submitter. Criteria: Invitae Variant Classification Sherloc (09022015). Collection method: clinical testing. Allele origin: germline.
Comment: For these reasons, this variant has been classified as Pathogenic. Loss-of-function variants in LAMA2 are known to be pathogenic (PMID: 18700894). This variant has not been reported in the literature in individuals with LAMA2-related disease. This variant is not present in population databases (ExAC no frequency). This sequence change creates a premature translational stop signal (p.Gln2924Thrfs*22) in the LAMA2 gene. It is expected to result in an absent or disrupted protein product.

Literature cited by the submitters: PubMed 18700894 (cited by Labcorp Genetics (formerly Invitae), Labcorp).

NM_000426.4(LAMA2):c.8769dup (p.Gln2924fs)

Gene: LAMA2 (laminin subunit alpha 2; plus strand). Cytogenetic location: 6q22.33.
Variant type: Duplication.
Coding change: c.8769dup on transcript NM_000426.4 (MANE Select); coding-DNA position 8769, one base duplicated (A; older notation c.8769dupA).
Protein change: p.Gln2924fs; shifts the reading frame from glutamine 2924.
Molecular consequence: frameshift variant.
Genome position (GRCh38, 1-based): chr6:129,507,554, A duplicated; the last of 2 consecutive A bases (chr6:129,507,553-129,507,554); duplicating either gives the same sequence. VCF-style (leftmost placement, unchanged base first): chr6-129507552-G-GA. GRCh37 (hg19) VCF-style: chr6-129828697-G-GA.
Other names: c.8769dupA (NM_000426.3); c.8757dup, p.Gln2920fs (NM_001079823.2); short protein forms Q2920fs, Q2924fs.
Identifiers: ClinVar variation 651333 (VCV000651333.10), dbSNP rs1583929127, ClinGen allele CA915942784.
Genomic context (GRCh38, chr6:129,507,552, plus strand): 5'-ACCTATAGCATTGATGGCTGCGTCAGGAATCTCCACATGGCAGAGGCCCCTGCCGATCTG[G>GA]AACAACCCACCTCCAGCTTCCATGTTGGGACATGTTTTGCAAATGCTCAGAGGGGAACAT-3'